The following is an entry in ClinVar:

NM_001347886.2(DNAH3):c.11006A>G (p.Asn3669Ser)

Gene: DNAH3 (dynein axonemal heavy chain 3; minus strand). Cytogenetic location: 16p12.3.
Variant type: single nucleotide variant.
Coding change: c.11006A>G on transcript NM_001347886.2 (MANE Select); coding-DNA position 11006, A replaced by G.
Protein change: p.Asn3669Ser; replaces asparagine 3669 with serine.
Molecular consequence: missense variant.
Genome position (GRCh38, 1-based): chr16:20,952,477, T>C on the plus strand (A>G on the coding strand, the complement: DNAH3 is on the minus strand). VCF-style: chr16-20952477-T-C. GRCh37 (hg19) VCF-style: chr16-20963799-T-C.
Other names: c.11144A>G, p.Asn3715Ser (NM_017539.2); short protein forms N3669S, N3715S.
Identifiers: ClinVar variation 3774613 (VCV003774613.1).

ClinVar aggregate classification (germline): Uncertain significance (1 of 4 stars; one submission).

gnomAD v4.1: 65 of 1,613,560 alleles (0.004%); highest among the groups gnomAD compares: Middle Eastern, 0.033%; no homozygotes.

Submission:

GeneDx
Classification: Uncertain significance. Last evaluated: 2024-02-21. Review status: criteria provided, single submitter. Criteria: GeneDx Variant Classification Process June 2021. Collection method: clinical testing. Allele origin: germline. Affected: yes.
Comment: In silico analysis supports that this missense variant has a deleterious effect on protein structure/function; Has not been previously published as pathogenic or benign to our knowledge; Variants in candidate genes are classified as variants of uncertain significance in accordance with ACMG guidelines (PMID: 25741868)